The following is an entry in ClinVar:

ClinVar aggregate classification (germline): Likely benign. Review status: criteria provided, single submitter (1 of 4 stars). 2 submissions from 2 submitters: Likely benign (1). 1 of the submissions does not count toward it. Last evaluated 2025-09-22.

Conditions:
MATR3-related disorder. Also called: MATR3-related condition.
Amyotrophic lateral sclerosis type 21. Also called: VOCAL CORD AND PHARYNGEAL DYSFUNCTION WITH DISTAL MYOPATHY; MYOPATHY, DISTAL, 2. Identifiers: Orphanet 600, Orphanet 803, MedGen C3807521, MONDO:0011632, OMIM 606070.

Allele frequency attached by ClinVar (database versions not stated): gnomAD exomes 0.00002 and 0.00008; ExAC 0.00004; gnomAD 0.00005 and 0.00006; TOPMed 0.00009; 1000 Genomes Project 30x 0.00016; 1000 Genomes Project 0.00020.
gnomAD v4.1: 41 of 1,613,944 alleles (0.0025%); highest among the groups gnomAD compares: Admixed American, 0.047%; no homozygotes.

Submissions (2):

Labcorp Genetics (formerly Invitae), Labcorp
Classification: Likely benign for Amyotrophic lateral sclerosis type 21. Last evaluated: 2025-09-22. Review status: criteria provided, single submitter. Criteria: Invitae Variant Classification Sherloc (09022015). Collection method: clinical testing. Allele origin: germline.

PreventionGenetics, part of Exact Sciences
Classification: Likely benign for MATR3-related condition. Last evaluated: 2024-08-22. Review status: no assertion criteria provided. Collection method: clinical testing. Allele origin: germline. Not counted in ClinVar's aggregate classification.
Comment: This variant is classified as likely benign based on ACMG/AMP sequence variant interpretation guidelines (Richards et al. 2015 PMID: 25741868, with internal and published modifications).

NM_018834.6(MATR3):c.1866C>T (p.Thr622=)

Genes: MATR3 (matrin 3; plus strand), LOC126807526 (CDK7 strongly-dependent group 2 enhancer GRCh37_chr5:138657767-138658966; plus strand). Cytogenetic location: 5q31.2.
Variant type: single nucleotide variant.
Coding change: c.1866C>T on transcript NM_018834.6 (MANE Select); coding-DNA position 1866, C replaced by T.
Protein change: p.Thr622=; no amino-acid change (threonine 622 retained).
Molecular consequence: synonymous variant.
Genome position (GRCh38, 1-based): chr5:139,322,685, C>T. VCF-style: chr5-139322685-C-T. GRCh37 (hg19) VCF-style: chr5-138658374-C-T.
Other names: c.1866C>T, p.Thr622= (NM_001194954.2, NM_001194955.2, NM_199189.3); c.1002C>T, p.Thr334= (NM_001194956.2); c.852C>T, p.Thr284= (NM_001282278.2).
Identifiers: ClinVar variation 772658 (VCV000772658.12), dbSNP rs539542619, ClinGen allele CA3433260.